The following is an entry in ClinVar:

ClinVar aggregate classification (germline): Likely benign. Review status: criteria provided, multiple submitters, no conflicts (2 of 4 stars). 3 submissions from 3 submitters: Likely benign (2). 1 of the submissions does not count toward it. Last evaluated 2025-06-14.

Conditions:
GNAT1-related disorder. Also called: GNAT1-related condition.

Allele frequency attached by ClinVar (database versions not stated): gnomAD exomes below 0.00001; ExAC 0.00001; gnomAD 0.00004; TOPMed 0.00015.

Submissions (3):

Labcorp Genetics (formerly Invitae), Labcorp
Classification: Likely benign. Last evaluated: 2025-06-14. Review status: criteria provided, single submitter. Criteria: Invitae Variant Classification Sherloc (09022015). Collection method: clinical testing. Allele origin: germline.

Blueprint Genetics
Classification: Likely benign. Last evaluated: 2021-06-28. Review status: criteria provided, single submitter. Criteria: ACMG Guidelines, 2015. Collection method: clinical testing. Allele origin: germline.

PreventionGenetics, part of Exact Sciences
Classification: Likely benign for GNAT1-related condition. Last evaluated: 2019-06-19. Review status: no assertion criteria provided. Collection method: clinical testing. Allele origin: germline. Not counted in ClinVar's aggregate classification.
Comment: This variant is classified as likely benign based on ACMG/AMP sequence variant interpretation guidelines (Richards et al. 2015 PMID: 25741868, with internal and published modifications).

NM_144499.3(GNAT1):c.45G>A (p.Leu15=)

Gene: GNAT1 (G protein subunit alpha transducin 1; plus strand). Cytogenetic location: 3p21.31.
Variant type: single nucleotide variant.
Coding change: c.45G>A on transcript NM_144499.3 (MANE Select); coding-DNA position 45, G replaced by A.
Protein change: p.Leu15=; no amino-acid change (leucine 15 retained).
Molecular consequence: synonymous variant.
Genome position (GRCh38, 1-based): chr3:50,191,770, G>A. VCF-style: chr3-50191770-G-A. GRCh37 (hg19) VCF-style: chr3-50229203-G-A.
Other names: c.45G>A, p.Leu15= (NM_000172.4); c.45G>A (NM_144499.2).
Identifiers: ClinVar variation 1624682 (VCV001624682.11), dbSNP rs936264524, ClinGen allele CA2412424.